The following is an entry in ClinVar:

NM_021072.4(HCN1):c.1159G>T (p.Ala387Ser)

Gene: HCN1 (hyperpolarization activated cyclic nucleotide gated potassium channel 1; minus strand). Cytogenetic location: 5p12.
Variant type: single nucleotide variant.
Coding change: c.1159G>T on transcript NM_021072.4 (MANE Select); coding-DNA position 1159, G replaced by T.
Protein change: p.Ala387Ser; replaces alanine 387 with serine.
Molecular consequence: missense variant.
Genome position (GRCh38, 1-based): chr5:45,396,563, C>A on the plus strand (G>T on the coding strand, the complement: HCN1 is on the minus strand). VCF-style: chr5-45396563-C-A. GRCh37 (hg19) VCF-style: chr5-45396665-C-A.
Other names: short protein forms A387S.
Identifiers: ClinVar variation 1457415 (VCV001457415.10), dbSNP rs2112040690, ClinGen allele CA359705294.

ClinVar aggregate classification (germline): Conflicting classifications of pathogenicity. Review status: criteria provided, conflicting classifications (1 of 4 stars). 3 submissions from 3 submitters: Pathogenic (1); Likely pathogenic (1); Uncertain significance (1). Last evaluated 2024-02-24.

Conditions:
Early-infantile DEE. Also called: Early infantile epileptic encephalopathy with suppression bursts; Early infantile epileptic encephalopathy; Ohtahara syndrome. Identifiers: Orphanet 1934, MedGen C0393706, MONDO:0800491.
Developmental and epileptic encephalopathy, 24 (DEE24). Also called: Epileptic encephalopathy, early infantile, 24. Identifiers: Orphanet 442835, MedGen C4014531, MONDO:0014377, OMIM 615871.
Inborn genetic diseases. Identifiers: MedGen C0950123, MeSH D030342.

Submissions (3):

Labcorp Genetics (formerly Invitae), Labcorp
Classification: Pathogenic for Early-infantile DEE. Last evaluated: 2024-02-24. Review status: criteria provided, single submitter. Criteria: Invitae Variant Classification Sherloc (09022015). Collection method: clinical testing. Allele origin: germline.
Comment: This sequence change replaces alanine, which is neutral and non-polar, with serine, which is neutral and polar, at codon 387 of the HCN1 protein (p.Ala387Ser). This variant is not present in population databases (gnomAD no frequency). This missense change has been observed in individual(s) with clinical features of HCN1-related conditions (PMID: 27541642). In at least one individual the variant was observed to be de novo. ClinVar contains an entry for this variant (Variation ID: 1457415). Advanced modeling of protein sequence and biophysical properties (such as structural, functional, and spatial information, amino acid conservation, physicochemical variation, residue mobility, and thermodynamic stability) performed at Invitae indicates that this missense variant is expected to disrupt HCN1 protein function with a positive predictive value of 80%. For these reasons, this variant has been classified as Pathogenic.

Ambry Genetics
Classification: Uncertain significance for Inborn genetic diseases. Last evaluated: 2018-02-09. Review status: criteria provided, single submitter. Criteria: Ambry Variant Classification Scheme 2023. Collection method: clinical testing. Allele origin: germline.
Comment: The p.A387S variant (also known as c.1159G>T), located in coding exon 4 of the HCN1 gene, results from a G to T substitution at nucleotide position 1159. The alanine at codon 387 is replaced by serine, an amino acid with similar properties. This variant has been reported as de novo in an individual with Rett syndrome-like phenotype (Lucariello M et al. Hum. Genet., 2016 Dec;135:1343-1354). This amino acid position is highly conserved in available vertebrate species. In addition, this alteration is predicted to be deleterious by in silico analysis. Since supporting evidence is limited at this time, the clinical significance of this alteration remains unclear.

Clinical Biomedical Laboratory, Shriners Hospital For Children - Canada
Classification: Likely pathogenic for Developmental and epileptic encephalopathy, 24. Review status: criteria provided, single submitter. Criteria: ACMG Guidelines, 2015. Collection method: clinical testing. Allele origin: germline. Affected: yes.
Comment: Computational tools (REVEL: 0.858) suggest that the amino acid change is deleterious to protein function. Defects in this gene are associated with Developmental and epileptic encephalopathy 24, which is consistent with the reported phenotype of the proband. This variant is absent from gnomAD (v.2.1.1), indicating it is very rare. The variant has been reported in the literature in an individual diagnosed with encephalopathy (PMID 27541642). Based on the ACMG criteria (criteria: PM1, PM2, PM5, PP2, PP3), the available evidence supports classification of this variant as likely pathogenic.

Literature cited by the submitters: PubMed 27541642 (cited by 3 submitters).